The following is an entry in ClinVar:

ClinVar aggregate classification (germline): Uncertain significance. Review status: criteria provided, multiple submitters, no conflicts (2 of 4 stars). 2 submissions from 2 submitters: Uncertain significance (2). Last evaluated 2022-08-09.

Allele frequency attached by ClinVar (database versions not stated): gnomAD exomes 0.00001; gnomAD 0.00003; TOPMed 0.00003.
gnomAD v4.1: 25 of 1,611,916 alleles (0.0016%); highest among the groups gnomAD compares: Non-Finnish European, 0.002%; no homozygotes.

Submissions (2):

Labcorp Genetics (formerly Invitae), Labcorp
Classification: Uncertain significance. Last evaluated: 2022-08-09. Review status: criteria provided, single submitter. Criteria: Invitae Variant Classification Sherloc (09022015). Collection method: clinical testing. Allele origin: germline.
Comment: Algorithms developed to predict the effect of missense changes on protein structure and function (SIFT, PolyPhen-2, Align-GVGD) all suggest that this variant is likely to be disruptive. ClinVar contains an entry for this variant (Variation ID: 444278). This variant has not been reported in the literature in individuals affected with CACNA2D4-related conditions. This variant is present in population databases (rs772210135, gnomAD 0.002%). This sequence change replaces arginine, which is basic and polar, with glutamine, which is neutral and polar, at codon 426 of the CACNA2D4 protein (p.Arg426Gln). In summary, the available evidence is currently insufficient to determine the role of this variant in disease. Therefore, it has been classified as a Variant of Uncertain Significance.

CeGaT Center for Human Genetics Tuebingen
Classification: Uncertain significance. Last evaluated: 2017-03-01. Review status: criteria provided, single submitter. Criteria: CeGaT Center For Human Genetics Tuebingen Variant Classification Criteria Version 2. Collection method: clinical testing. Allele origin: germline. Affected: yes. Observed: 1 variant allele.

NM_172364.5(CACNA2D4):c.1277G>A (p.Arg426Gln)

Gene: CACNA2D4 (calcium voltage-gated channel auxiliary subunit alpha2delta 4; minus strand). Cytogenetic location: 12p13.33.
Variant type: single nucleotide variant.
Coding change: c.1277G>A on transcript NM_172364.5 (MANE Select); coding-DNA position 1277, G replaced by A.
Protein change: p.Arg426Gln; replaces arginine 426 with glutamine.
Molecular consequence: missense variant.
Genome position (GRCh38, 1-based): chr12:1,884,317, C>T on the plus strand (G>A on the coding strand, the complement: CACNA2D4 is on the minus strand). VCF-style: chr12-1884317-C-T. GRCh37 (hg19) VCF-style: chr12-1993483-C-T.
Other names: short protein forms R426Q.
Identifiers: ClinVar variation 444278 (VCV000444278.48), dbSNP rs772210135, ClinGen allele CA231556354.